The following is an entry in ClinVar:

NM_001184.4(ATR):c.2218C>T (p.Leu740Phe)

Gene: ATR (ATR checkpoint kinase; minus strand). Cytogenetic location: 3q23.
Variant type: single nucleotide variant.
Coding change: c.2218C>T on transcript NM_001184.4 (MANE Select); coding-DNA position 2218, C replaced by T.
Protein change: p.Leu740Phe; replaces leucine 740 with phenylalanine.
Molecular consequence: missense variant.
Genome position (GRCh38, 1-based): chr3:142,556,000, G>A on the plus strand (C>T on the coding strand, the complement: ATR is on the minus strand). VCF-style: chr3-142556000-G-A. GRCh37 (hg19) VCF-style: chr3-142274842-G-A.
Other names: c.2026C>T, p.Leu676Phe (NM_001354579.2); short protein forms L676F, L740F.
Identifiers: ClinVar variation 2453536 (VCV002453536.3), dbSNP rs2034657077, ClinGen allele CA354818738.

ClinVar aggregate classification (germline): Uncertain significance. Review status: criteria provided, multiple submitters, no conflicts (2 of 4 stars). 2 submissions from 2 submitters: Uncertain significance (2). Last evaluated 2025-03-19.

Conditions:
Inborn genetic diseases. Identifiers: MedGen C0950123, MeSH D030342.

Allele frequency attached by ClinVar (database versions not stated): TOPMed below 0.00001.

Submissions (2):

Labcorp Genetics (formerly Invitae), Labcorp
Classification: Uncertain significance. Last evaluated: 2025-03-19. Review status: criteria provided, single submitter. Criteria: Invitae Variant Classification Sherloc (09022015). Collection method: clinical testing. Allele origin: germline.
Comment: This sequence change replaces leucine, which is neutral and non-polar, with phenylalanine, which is neutral and non-polar, at codon 740 of the ATR protein (p.Leu740Phe). This variant is not present in population databases (gnomAD no frequency). This variant has not been reported in the literature in individuals affected with ATR-related conditions. ClinVar contains an entry for this variant (Variation ID: 2453536). An algorithm developed to predict the effect of missense changes on protein structure and function (PolyPhen-2) suggests that this variant is likely to be tolerated. In summary, the available evidence is currently insufficient to determine the role of this variant in disease. Therefore, it has been classified as a Variant of Uncertain Significance.

Ambry Genetics
Classification: Uncertain significance for Inborn genetic diseases. Last evaluated: 2022-11-26. Review status: criteria provided, single submitter. Criteria: Ambry Variant Classification Scheme 2023. Collection method: clinical testing. Allele origin: germline.
Comment: The p.L740F variant (also known as c.2218C>T), located in coding exon 10 of the ATR gene, results from a C to T substitution at nucleotide position 2218. The leucine at codon 740 is replaced by phenylalanine, an amino acid with highly similar properties. This amino acid position is conserved. In addition, this alteration is predicted to be tolerated by in silico analysis. Since supporting evidence is limited at this time, the clinical significance of this alteration remains unclear.